The following is an entry in ClinVar:

ClinVar aggregate classification (germline): Uncertain significance. Review status: criteria provided, multiple submitters, no conflicts (2 of 4 stars). 4 submissions from 4 submitters: Uncertain significance (4). Last evaluated 2026-04-01.

Conditions:
LAMA2-related muscular dystrophy (LAMA2-RD). Also called: Laminin alpha 2-related dystrophy. Identifiers: MedGen C5679788, MONDO:0100228.
Congenital muscular dystrophy due to partial LAMA2 deficiency. Identifiers: MedGen C1842898.
Inborn genetic diseases. Identifiers: MedGen C0950123, MeSH D030342.

Allele frequency attached by ClinVar (database versions not stated): gnomAD 0.00004; TOPMed 0.00005.
gnomAD v4.1: 82 of 1,605,038 alleles (0.0051%); highest among the groups gnomAD compares: Middle Eastern, 0.016%; no homozygotes.

Submissions (4):

CeGaT Center for Human Genetics Tuebingen
Classification: Uncertain significance. Last evaluated: 2026-04-01. Review status: criteria provided, single submitter. Criteria: CeGaT Center For Human Genetics Tuebingen Variant Classification Criteria Version 2. Collection method: clinical testing. Allele origin: germline. Affected: yes. Observed: 1 variant allele.
Comment: LAMA2: PM2

Ambry Genetics
Classification: Uncertain significance for Inborn genetic diseases. Last evaluated: 2025-06-19. Review status: criteria provided, single submitter. Criteria: Ambry Variant Classification Scheme 2023. Collection method: clinical testing. Allele origin: germline.

Labcorp Genetics (formerly Invitae), Labcorp
Classification: Uncertain significance for LAMA2-related muscular dystrophy. Last evaluated: 2022-11-01. Review status: criteria provided, single submitter. Criteria: Invitae Variant Classification Sherloc (09022015). Collection method: clinical testing. Allele origin: germline.
Comment: This sequence change replaces arginine, which is basic and polar, with cysteine, which is neutral and slightly polar, at codon 843 of the LAMA2 protein (p.Arg843Cys). This variant is present in population databases (rs769493998, gnomAD 0.01%). This variant has not been reported in the literature in individuals affected with LAMA2-related conditions. ClinVar contains an entry for this variant (Variation ID: 355258). Advanced modeling of protein sequence and biophysical properties (such as structural, functional, and spatial information, amino acid conservation, physicochemical variation, residue mobility, and thermodynamic stability) performed at Invitae indicates that this missense variant is not expected to disrupt LAMA2 protein function. In summary, the available evidence is currently insufficient to determine the role of this variant in disease. Therefore, it has been classified as a Variant of Uncertain Significance.

Illumina Laboratory Services, Illumina
Classification: Uncertain significance for Congenital muscular dystrophy due to partial LAMA2 deficiency. Last evaluated: 2018-01-13. Review status: criteria provided, single submitter. Criteria: ICSL Variant Classification Criteria 13 December 2019. Collection method: clinical testing. Allele origin: germline.

NM_000426.4(LAMA2):c.2527C>T (p.Arg843Cys)

Gene: LAMA2 (laminin subunit alpha 2; plus strand). Cytogenetic location: 6q22.33.
Variant type: single nucleotide variant.
Coding change: c.2527C>T on transcript NM_000426.4 (MANE Select); coding-DNA position 2527, C replaced by T.
Protein change: p.Arg843Cys; replaces arginine 843 with cysteine.
Molecular consequence: missense variant.
Genome position (GRCh38, 1-based): chr6:129,280,137, C>T. VCF-style: chr6-129280137-C-T. GRCh37 (hg19) VCF-style: chr6-129601282-C-T.
Other names: c.2527C>T, p.Arg843Cys (NM_001079823.2); short protein forms R843C.
Identifiers: ClinVar variation 355258 (VCV000355258.10), dbSNP rs769493998, ClinGen allele CA3992975.